The following is an entry in ClinVar:

ClinVar aggregate classification (germline): Uncertain significance. Review status: criteria provided, multiple submitters, no conflicts (2 of 4 stars). 2 submissions from 2 submitters: Uncertain significance (2). Last evaluated 2025-06-06.

Conditions:
Candidiasis, familial, 9 (CANDF9). Identifiers: Orphanet 1334, MedGen C4225324, MONDO:0014642, OMIM 616445.

Allele frequency attached by ClinVar (database versions not stated): ExAC 0.00001; gnomAD 0.00002; TOPMed 0.00003.
gnomAD v4.1: 12 of 1,613,698 alleles (0.00074%); highest among the groups gnomAD compares: Admixed American, 0.0083%; no homozygotes.

Submissions (2):

Ambry Genetics
Classification: Uncertain significance. Last evaluated: 2025-06-06. Review status: criteria provided, single submitter. Criteria: Ambry Variant Classification Scheme 2023. Collection method: clinical testing. Allele origin: germline.

Labcorp Genetics (formerly Invitae), Labcorp
Classification: Uncertain significance for Candidiasis, familial, 9. Last evaluated: 2024-08-20. Review status: criteria provided, single submitter. Criteria: Invitae Variant Classification Sherloc (09022015). Collection method: clinical testing. Allele origin: germline.
Comment: This sequence change replaces arginine, which is basic and polar, with glutamine, which is neutral and polar, at codon 320 of the IL17RC protein (p.Arg320Gln). This variant is present in population databases (rs373618087, gnomAD 0.007%). This variant has not been reported in the literature in individuals affected with IL17RC-related conditions. ClinVar contains an entry for this variant (Variation ID: 2158339). An algorithm developed to predict the effect of missense changes on protein structure and function (PolyPhen-2) suggests that this variant is likely to be tolerated. In summary, the available evidence is currently insufficient to determine the role of this variant in disease. Therefore, it has been classified as a Variant of Uncertain Significance.

NM_153460.4(IL17RC):c.746G>A (p.Arg249Gln)

Gene: IL17RC (interleukin 17 receptor C; plus strand). Cytogenetic location: 3p25.3.
Variant type: single nucleotide variant.
Coding change: c.746G>A on transcript NM_153460.4 (MANE Select); coding-DNA position 746, G replaced by A.
Protein change: p.Arg249Gln; replaces arginine 249 with glutamine.
Molecular consequence: missense variant. On other transcripts: non-coding transcript variant (1), intron variant (1).
Genome position (GRCh38, 1-based): chr3:9,924,004, G>A. VCF-style: chr3-9924004-G-A. GRCh37 (hg19) VCF-style: chr3-9965688-G-A.
Other names: c.746G>A, p.Arg249Gln (NM_001203263.2, NM_001203264.2); c.701G>A, p.Arg234Gln (NM_001203265.2, NM_001367280.1, NM_001410711.1 and 1 more transcripts); c.626G>A, p.Arg209Gln (NM_001367279.1); c.959G>A, p.Arg320Gln (NM_153461.4); c.723+23G>A (NM_001367278.1); c.959G>A (NM_153461.3); short protein forms R249Q, R320Q, R234Q, R209Q.
Identifiers: ClinVar variation 2158339 (VCV002158339.5), dbSNP rs373618087, ClinGen allele CA2246944.